The following is an entry in ClinVar:

NM_000218.3(KCNQ1):c.1845G>T (p.Gln615His)

Genes: KCNQ1 (potassium voltage-gated channel subfamily Q member 1; plus strand), KCNQ1-AS1 (KCNQ1 antisense RNA 1; minus strand). Cytogenetic location: 11p15.4.
Variant type: single nucleotide variant.
Coding change: c.1845G>T on transcript NM_000218.3 (MANE Select); coding-DNA position 1845, G replaced by T.
Protein change: p.Gln615His; replaces glutamine 615 with histidine.
Molecular consequence: missense variant.
Genome position (GRCh38, 1-based): chr11:2,847,817, G>T. VCF-style: chr11-2847817-G-T. GRCh37 (hg19) VCF-style: chr11-2869047-G-T.
Other names: c.1749G>T, p.Gln583His (NM_001406836.1); c.1575G>T, p.Gln525His (NM_001406837.1); c.1305G>T, p.Gln435His (NM_001406838.1); c.357G>T, p.Gln119His (NM_001406839.1); c.1464G>T, p.Gln488His (NM_181798.2); short protein forms Q119H, Q435H, Q488H, Q525H, Q583H, Q615H.
Identifiers: ClinVar variation 1722278 (VCV001722278.6), dbSNP rs2494325946, ClinGen allele CA379140281.

ClinVar aggregate classification (germline): Uncertain significance (1 of 4 stars; one submission).

Conditions:
Long QT syndrome (LQTS). Identifiers: MedGen C0023976, MeSH D008133, MONDO:0002442. Disease mechanism: loss of function. Inheritance: Various modes of inheritance.

Submission:

Labcorp Genetics (formerly Invitae), Labcorp
Classification: Uncertain significance for Long QT syndrome. Last evaluated: 2022-07-21. Review status: criteria provided, single submitter. Criteria: Invitae Variant Classification Sherloc (09022015). Collection method: clinical testing. Allele origin: germline.
Comment: In summary, the available evidence is currently insufficient to determine the role of this variant in disease. Therefore, it has been classified as a Variant of Uncertain Significance. Algorithms developed to predict the effect of missense changes on protein structure and function (SIFT, PolyPhen-2, Align-GVGD) all suggest that this variant is likely to be tolerated. This variant has not been reported in the literature in individuals affected with KCNQ1-related conditions. This variant is not present in population databases (gnomAD no frequency). This sequence change replaces glutamine, which is neutral and polar, with histidine, which is basic and polar, at codon 615 of the KCNQ1 protein (p.Gln615His).